The following is an entry in ClinVar:

NM_003901.4(SGPL1):c.1247A>G (p.Tyr416Cys)

Gene: SGPL1 (sphingosine-1-phosphate lyase 1; plus strand). Cytogenetic location: 10q22.1.
Variant type: single nucleotide variant.
Coding change: c.1247A>G on transcript NM_003901.4 (MANE Select); coding-DNA position 1247, A replaced by G.
Protein change: p.Tyr416Cys; replaces tyrosine 416 with cysteine.
Molecular consequence: missense variant.
Genome position (GRCh38, 1-based): chr10:70,873,538, A>G. VCF-style: chr10-70873538-A-G. GRCh37 (hg19) VCF-style: chr10-72633295-A-G.
Other names: short protein forms Y416C.
Identifiers: ClinVar variation 851784 (VCV000851784.12), dbSNP rs779485098, ClinGen allele CA5541409.

ClinVar aggregate classification (germline): Likely pathogenic. Review status: criteria provided, multiple submitters, no conflicts (2 of 4 stars). 3 submissions from 3 submitters: Likely pathogenic (3). Last evaluated 2026-09-25.

Conditions:
SGPL1-related disorder. Also called: SGPL1-related condition. Identifiers: MedGen CN380158.

Allele frequency attached by ClinVar (database versions not stated): gnomAD 0.00002 and 0.00001; TOPMed 0.00002; gnomAD exomes below 0.00001 and 0.00001; ExAC 0.00001.
gnomAD v4.1: 9 of 1,614,098 alleles (0.00056%); highest among the groups gnomAD compares: Admixed American, 0.005%; no homozygotes.

Submissions (3):

PreventionGenetics, part of Exact Sciences
Classification: Likely pathogenic for SGPL1-related condition. Last evaluated: 2026-09-25. Review status: criteria provided, single submitter. Criteria: ACMG Guidelines, 2015. Collection method: clinical testing. Allele origin: germline.
Comment: The SGPL1 c.1247A>G variant is predicted to result in the amino acid substitution p.Tyr416Cys. This variant was reported in the homozygous and compound heterozygous state in two individuals with SPL insufficiency syndrome (Lovric et al. 2017. PubMed ID: 28165339; Supplementary Table 1, Case 4, Zhao et al. 2020. PubMed ID: 32233035) and was reported to be one of the most common variants for this condition (Keller et al. 2024. PubMed ID: 39334450). In vivo complementation assays indicate this variant is unable to rescue growth in DPL1-deficient yeast (Lovric et al. 2017. PubMed ID: 28165339). This variant is reported in 0.0046% of alleles in individuals of European (Finnish) descent in gnomAD. This variant is interpreted as likely pathogenic.

GeneDx
Classification: Likely pathogenic. Last evaluated: 2026-03-24. Review status: criteria provided, single submitter. Criteria: GeneDx Variant Classification Process June 2021. Collection method: clinical testing. Allele origin: germline.
Comment: Published functional studies demonstrate that this variant leads to reduced protein expression compared to wild type (PMID: 28165339); In silico analysis supports that this missense variant has a deleterious effect on protein structure/function; This variant is associated with the following publications: (PMID: 30090628, 30274713, 28165339, 34133011, 35972040, 36873630, Sedillo_2024, 32233035, Keller2024[preprint], 39334450)

Labcorp Genetics (formerly Invitae), Labcorp
Classification: Likely pathogenic. Last evaluated: 2025-07-13. Review status: criteria provided, single submitter. Criteria: Invitae Variant Classification Sherloc (09022015). Collection method: clinical testing. Allele origin: germline.
Comment: This sequence change replaces tyrosine, which is neutral and polar, with cysteine, which is neutral and slightly polar, at codon 416 of the SGPL1 protein (p.Tyr416Cys). This variant is present in population databases (rs779485098, gnomAD 0.004%). This missense change has been observed in individuals with clinical features of nephrotic syndrome (PMID: 28165339, 32233035; internal data). ClinVar contains an entry for this variant (Variation ID: 851784). Invitae Evidence Modeling of protein sequence and biophysical properties (such as structural, functional, and spatial information, amino acid conservation, physicochemical variation, residue mobility, and thermodynamic stability) indicates that this missense variant is expected to disrupt SGPL1 protein function with a positive predictive value of 80%. Experimental studies have shown that this missense change affects SGPL1 function (PMID: 28165339). In summary, the currently available evidence indicates that the variant is pathogenic, but additional data are needed to prove that conclusively. Therefore, this variant has been classified as Likely Pathogenic.

Literature cited by the submitters: PubMed 28165339 (cited by Labcorp Genetics (formerly Invitae), Labcorp); PubMed 32233035 (cited by Labcorp Genetics (formerly Invitae), Labcorp).